The following is an entry in ClinVar:

ClinVar aggregate classification (germline): Uncertain significance (1 of 4 stars; one submission).

Conditions:
Inborn genetic diseases. Identifiers: MedGen C0950123, MeSH D030342.

Allele frequency attached by ClinVar (database versions not stated): gnomAD exomes below 0.00001; gnomAD 0.00003; TOPMed 0.00003.
gnomAD v4.1: 11 of 1,613,582 alleles (0.00068%); highest among the groups gnomAD compares: Admixed American, 0.012%; no homozygotes.

Submission:

Ambry Genetics
Classification: Uncertain significance for Inborn genetic diseases. Last evaluated: 2023-02-18. Review status: criteria provided, single submitter. Criteria: Ambry Variant Classification Scheme 2023. Collection method: clinical testing. Allele origin: germline.
Comment: The p.F414S variant (also known as c.1241T>C), located in coding exon 13 of the ERCC2 gene, results from a T to C substitution at nucleotide position 1241. The phenylalanine at codon 414 is replaced by serine, an amino acid with highly dissimilar properties. This amino acid position is conserved. In addition, this alteration is predicted to be deleterious by in silico analysis. Since supporting evidence is limited at this time, the clinical significance of this alteration remains unclear.

NM_000400.4(ERCC2):c.1241T>C (p.Phe414Ser)

Gene: ERCC2 (ERCC excision repair 2, TFIIH core complex helicase subunit; minus strand). Cytogenetic location: 19q13.32.
Variant type: single nucleotide variant.
Coding change: c.1241T>C on transcript NM_000400.4 (MANE Select); coding-DNA position 1241, T replaced by C.
Protein change: p.Phe414Ser; replaces phenylalanine 414 with serine.
Molecular consequence: missense variant.
Genome position (GRCh38, 1-based): chr19:45,357,696, A>G on the plus strand (T>C on the coding strand, the complement: ERCC2 is on the minus strand). VCF-style: chr19-45357696-A-G. GRCh37 (hg19) VCF-style: chr19-45860954-A-G.
Other names: short protein forms F414S.
Identifiers: ClinVar variation 2479941 (VCV002479941.2), dbSNP rs1354803589, ClinGen allele CA406368285.